The following is an entry in ClinVar:

ClinVar aggregate classification (germline): Uncertain significance. Review status: criteria provided, multiple submitters, no conflicts (2 of 4 stars). 2 submissions from 2 submitters: Uncertain significance (2). Last evaluated 2022-08-07.

Allele frequency attached by ClinVar (database versions not stated): gnomAD exomes 0.00001; TOPMed 0.00001; ExAC 0.00002.
gnomAD v4.1: 26 of 1,613,190 alleles (0.0016%); highest among the groups gnomAD compares: African/African-American, 0.0027%; no homozygotes.

Submissions (2):

Labcorp Genetics (formerly Invitae), Labcorp
Classification: Uncertain significance. Last evaluated: 2022-08-07. Review status: criteria provided, single submitter. Criteria: Invitae Variant Classification Sherloc (09022015). Collection method: clinical testing. Allele origin: germline.
Comment: This sequence change replaces arginine, which is basic and polar, with glutamine, which is neutral and polar, at codon 71 of the TTLL5 protein (p.Arg71Gln). This variant is present in population databases (rs775184984, gnomAD 0.003%). This variant has not been reported in the literature in individuals affected with TTLL5-related conditions. ClinVar contains an entry for this variant (Variation ID: 958299). Algorithms developed to predict the effect of missense changes on protein structure and function (SIFT, PolyPhen-2, Align-GVGD) all suggest that this variant is likely to be tolerated. In summary, the available evidence is currently insufficient to determine the role of this variant in disease. Therefore, it has been classified as a Variant of Uncertain Significance.

Blueprint Genetics
Classification: Uncertain significance. Last evaluated: 2022-04-27. Review status: criteria provided, single submitter. Criteria: ACMG Guidelines, 2015. Collection method: clinical testing. Allele origin: germline.

NM_015072.5(TTLL5):c.212G>A (p.Arg71Gln)

Gene: TTLL5 (tubulin tyrosine ligase like 5; plus strand). Cytogenetic location: 14q24.3.
Variant type: single nucleotide variant.
Coding change: c.212G>A on transcript NM_015072.5 (MANE Select); coding-DNA position 212, G replaced by A.
Protein change: p.Arg71Gln; replaces arginine 71 with glutamine.
Molecular consequence: missense variant.
Genome position (GRCh38, 1-based): chr14:75,681,575, G>A. VCF-style: chr14-75681575-G-A. GRCh37 (hg19) VCF-style: chr14-76147918-G-A.
Other names: short protein forms R71Q.
Identifiers: ClinVar variation 958299 (VCV000958299.8), dbSNP rs775184984, ClinGen allele CA7278847.